The following is an entry in ClinVar:

ClinVar aggregate classification (germline): Uncertain significance. Review status: criteria provided, multiple submitters, no conflicts (2 of 4 stars). 3 submissions from 3 submitters: Uncertain significance (3). Last evaluated 2024-01-31.

Conditions:
Long QT syndrome (LQTS). Identifiers: MedGen C0023976, MeSH D008133, MONDO:0002442. Disease mechanism: loss of function. Inheritance: Various modes of inheritance.
Cardiovascular phenotype. Identifiers: MedGen CN230736.

Allele frequency attached by ClinVar (database versions not stated): gnomAD exomes 0.00001 and 0.00002; TOPMed 0.00001; ExAC 0.00003.
gnomAD v4.1: 20 of 1,613,292 alleles (0.0012%); highest among the groups gnomAD compares: South Asian, 0.0044%; no homozygotes.

Submissions (3):

Ambry Genetics
Classification: Uncertain significance for Cardiovascular phenotype. Last evaluated: 2024-01-31. Review status: criteria provided, single submitter. Criteria: Ambry Variant Classification Scheme 2023. Collection method: clinical testing. Allele origin: germline.
Comment: The p.R1418C variant (also known as c.4252C>T), located in coding exon 35 of the ANK2 gene, results from a C to T substitution at nucleotide position 4252. The arginine at codon 1418 is replaced by cysteine, an amino acid with highly dissimilar properties. This amino acid position is highly conserved in available vertebrate species. In addition, the in silico prediction for this alteration is inconclusive. Since supporting evidence is limited at this time, the clinical significance of this alteration remains unclear.

Labcorp Genetics (formerly Invitae), Labcorp
Classification: Uncertain significance for Long QT syndrome. Last evaluated: 2023-10-06. Review status: criteria provided, single submitter. Criteria: Invitae Variant Classification Sherloc (09022015). Collection method: clinical testing. Allele origin: germline.
Comment: This sequence change replaces arginine, which is basic and polar, with cysteine, which is neutral and slightly polar, at codon 1418 of the ANK2 protein (p.Arg1418Cys). This variant is present in population databases (rs749093363, gnomAD 0.006%). This variant has not been reported in the literature in individuals affected with ANK2-related conditions. ClinVar contains an entry for this variant (Variation ID: 652867). Advanced modeling of protein sequence and biophysical properties (such as structural, functional, and spatial information, amino acid conservation, physicochemical variation, residue mobility, and thermodynamic stability) has been performed at Invitae for this missense variant, however the output from this modeling did not meet the statistical confidence thresholds required to predict the impact of this variant on ANK2 protein function. In summary, the available evidence is currently insufficient to determine the role of this variant in disease. Therefore, it has been classified as a Variant of Uncertain Significance.

New York Genome Center
Classification: Uncertain significance. Last evaluated: 2020-07-02. Review status: criteria provided, single submitter. Criteria: NYGC Assertion Criteria 2020. Collection method: clinical testing. Allele origin: inherited. Observed: 1 heterozygote. Study: CSER-NYCKidSeq.

NM_001148.6(ANK2):c.4252C>T (p.Arg1418Cys)

Gene: ANK2 (ankyrin 2; plus strand). Cytogenetic location: 4q26.
Variant type: single nucleotide variant.
Coding change: c.4252C>T on transcript NM_001148.6 (MANE Select); coding-DNA position 4252, C replaced by T.
Protein change: p.Arg1418Cys; replaces arginine 1418 with cysteine.
Molecular consequence: missense variant.
Genome position (GRCh38, 1-based): chr4:113,345,903, C>T. VCF-style: chr4-113345903-C-T. GRCh37 (hg19) VCF-style: chr4-114267059-C-T.
Other names: c.4225C>T, p.Arg1409Cys (NM_001127493.3); c.4264C>T, p.Arg1422Cys (NM_001354225.2); c.4153C>T, p.Arg1385Cys (NM_001354228.2, NM_001354258.2); c.4231C>T, p.Arg1411Cys (NM_001354230.2); c.4294C>T, p.Arg1432Cys (NM_001354231.2, NM_001354242.2); c.4288C>T, p.Arg1430Cys (NM_001354232.2); c.4249C>T, p.Arg1417Cys (NM_001354235.2, NM_001354246.2, NM_001354265.2); c.4150C>T, p.Arg1384Cys (NM_001354236.2); and 31 more; short protein forms R1323C, R1343C, R1356C, R1371C, R1397C, R1417C, R1444C, R1364C.
Identifiers: ClinVar variation 652867 (VCV000652867.8), dbSNP rs749093363, ClinGen allele CA3051029.